The following is an entry in ClinVar:

ClinVar aggregate classification (germline): Benign/Likely benign. Review status: criteria provided, multiple submitters, no conflicts (2 of 4 stars). 2 submissions from 2 submitters: Benign (1); Likely benign (1). Last evaluated 2018-01-13.

Conditions:
Seizures, benign familial neonatal, 2. Also called: CONVULSIONS, BENIGN FAMILIAL NEONATAL, 2; KCNQ3-Related Self-Limited Familial Neonatal Epilepsy (SLFNE); Benign Neonatal Epilepsy 2; KCNQ3-Related Benign Familial Neonatal Epilepsy; Seizures, benign neonatal, 2. Identifiers: Orphanet 1949, MedGen C1852581, MONDO:0007366, OMIM 121201.

Allele frequency attached by ClinVar (database versions not stated): 1000 Genomes Project 30x 0.00047; 1000 Genomes Project 0.00060; gnomAD 0.00156; TOPMed 0.00177.

Submissions (2):

Illumina Laboratory Services, Illumina
Classification: Benign for Seizures, benign familial neonatal, 2. Last evaluated: 2018-01-13. Review status: criteria provided, single submitter. Criteria: ICSL Variant Classification Criteria 13 December 2019. Collection method: clinical testing. Allele origin: germline.
Comment: This variant was observed in the ICSL laboratory as part of a predisposition screen in an ostensibly healthy population. It had not been previously curated by ICSL or reported in the Human Gene Mutation Database (HGMD: prior to June 1st, 2018), and was therefore a candidate for classification through an automated scoring system. Utilizing variant allele frequency, disease prevalence and penetrance estimates, and inheritance mode, an automated score was calculated to assess if this variant is too frequent to cause the disease. Based on the score and internal cut-off values, a variant classified as benign is not then subjected to further curation. The score for this variant resulted in a classification of benign for this disease.

Breakthrough Genomics
Classification: Likely benign. Review status: criteria provided, single submitter. Criteria: ACMG Guidelines, 2015. Collection method: not provided. Allele origin: germline. Inheritance: Autosomal dominant inheritance. Affected: yes.

NM_004519.4(KCNQ3):c.*2847T>C

Gene: KCNQ3 (potassium voltage-gated channel subfamily Q member 3; minus strand). Cytogenetic location: 8q24.22.
Variant type: single nucleotide variant.
Coding change: c.*2847T>C on transcript NM_004519.4 (MANE Select); 2847 bases downstream of the stop codon, T replaced by C.
Molecular consequence: 3 prime UTR variant.
Genome position (GRCh38, 1-based): chr8:132,126,415, A>G on the plus strand (T>C on the coding strand, the complement: KCNQ3 is on the minus strand). VCF-style: chr8-132126415-A-G. GRCh37 (hg19) VCF-style: chr8-133138662-A-G.
Other names: c.*2847T>C (NM_001204824.2).
Identifiers: ClinVar variation 361837 (VCV000361837.7), dbSNP rs138023368, ClinGen allele CA10630205.